The following is an entry in ClinVar:

ClinVar aggregate classification (germline): Uncertain significance. Review status: criteria provided, multiple submitters, no conflicts (2 of 4 stars). 6 submissions from 6 submitters: Uncertain significance (6). Last evaluated 2026-01-26.

Conditions:
Inborn genetic diseases. Identifiers: MedGen C0950123, MeSH D030342.
Charcot-Marie-Tooth disease recessive intermediate C. Also called: CHARCOT-MARIE-TOOTH NEUROPATHY, RECESSIVE INTERMEDIATE C. Identifiers: Orphanet 369867, MedGen C3809309, MONDO:0014154, OMIM 615376.
Neuronopathy, distal hereditary motor, autosomal recessive 4. Also called: Autosomal recessive lower motor neuron disease with childhood onset; NEUROPATHY, DISTAL HEREDITARY MOTOR, AUTOSOMAL RECESSIVE 4. Identifiers: Orphanet 206580, MedGen C1970211, MONDO:0012608, OMIM 611067.

Allele frequency attached by ClinVar (database versions not stated): TOPMed 0.00010; ESP Exome Variant Server 0.00023.

Submissions (6):

Labcorp Genetics (formerly Invitae), Labcorp
Classification: Uncertain significance for Neuronopathy, distal hereditary motor, autosomal recessive 4; Charcot-Marie-Tooth disease recessive intermediate C. Last evaluated: 2026-01-26. Review status: criteria provided, single submitter. Criteria: Invitae Variant Classification Sherloc (09022015). Collection method: clinical testing. Allele origin: germline.
Comment: This sequence change replaces arginine, which is basic and polar, with tryptophan, which is neutral and slightly polar, at codon 333 of the PLEKHG5 protein (p.Arg333Trp). This variant is present in population databases (rs148232621, gnomAD 0.1%). This variant has not been reported in the literature in individuals affected with PLEKHG5-related conditions. ClinVar contains an entry for this variant (Variation ID: 373421). An algorithm developed to predict the effect of missense changes on protein structure and function (PolyPhen-2) suggests that this variant is likely to be disruptive. In summary, the available evidence is currently insufficient to determine the role of this variant in disease. Therefore, it has been classified as a Variant of Uncertain Significance.

Women's Health and Genetics/Laboratory Corporation of America, LabCorp
Classification: Uncertain significance. Last evaluated: 2025-03-13. Review status: criteria provided, single submitter. Criteria: LabCorp Variant Classification Summary - May 2015. Collection method: clinical testing. Allele origin: germline.
Comment: Variant summary: PLEKHG5 c.997C>T (p.Arg333Trp) results in a non-conservative amino acid change in the encoded protein sequence. Three of four in-silico tools predict a damaging effect of the variant on protein function. The variant allele was found at a frequency of 0.00011 in 245496 control chromosomes. This frequency is not significantly higher than estimated for a pathogenic variant in PLEKHG5 causing Distal Spinal Muscular Atrophy, Autosomal Recessive 4 (0.00011 vs 0.0011), allowing no conclusion about variant significance. To our knowledge, no occurrence of c.997C>T in individuals affected with Distal Spinal Muscular Atrophy, Autosomal Recessive 4 and no experimental evidence demonstrating its impact on protein function have been reported. ClinVar contains an entry for this variant (Variation ID: 373421). Based on the evidence outlined above, the variant was classified as uncertain significance.

Blueprint Genetics
Classification: Uncertain significance. Last evaluated: 2024-05-21. Review status: criteria provided, single submitter. Criteria: ACMG Guidelines, 2015. Collection method: clinical testing. Allele origin: germline.

CeGaT Center for Human Genetics Tuebingen
Classification: Uncertain significance. Last evaluated: 2023-08-01. Review status: criteria provided, single submitter. Criteria: CeGaT Center For Human Genetics Tuebingen Variant Classification Criteria Version 2. Collection method: clinical testing. Allele origin: germline. Affected: yes. Observed: 1 variant allele.
Comment: PLEKHG5: PM2

Ambry Genetics
Classification: Uncertain significance for Inborn genetic diseases. Last evaluated: 2020-05-13. Review status: criteria provided, single submitter. Criteria: Ambry Variant Classification Scheme 2023. Collection method: clinical testing. Allele origin: germline.
Comment: The p.R333W variant (also known as c.997C>T), located in coding exon 9 of the PLEKHG5 gene, results from a C to T substitution at nucleotide position 997. The arginine at codon 333 is replaced by tryptophan, an amino acid with dissimilar properties. This amino acid position is highly conserved in available vertebrate species. In addition, the in silico prediction for this alteration is inconclusive. Since supporting evidence is limited at this time, the clinical significance of this alteration remains unclear.

GeneDx
Classification: Uncertain significance. Last evaluated: 2016-11-17. Review status: criteria provided, single submitter. Criteria: GeneDx Variant Classification (06012015). Collection method: clinical testing. Allele origin: germline. Affected: yes.
Comment: A variant of uncertain significance has been identified in the PLEKHG5 gene. The R333W variant has not been published as a pathogenic variant, nor has it been reported as a benign variant to our knowledge. The R333W variant is observed in 10/54458 (0.0001%) alleles from individuals of European (Non-Finnish) background, (Lek et al., 2016; 1000 Genomes Consortium et al., 2015; Exome Variant Server). The R333W variant is a non-conservative amino acid substitution, which is likely to impact secondary protein structure as these residues differ in polarity, charge, size and/or other properties. Additionally, this substitution occurs at a position that is conserved across species, and in silico analysis predicts this variant is probably damaging to the protein structure/function. Based on the currently available information, it is unclear whether this variant is a pathogenic variant or a rare benign variant.

NM_020631.6(PLEKHG5):c.997C>T (p.Arg333Trp)

Gene: PLEKHG5 (pleckstrin homology and RhoGEF domain containing G5; minus strand). Cytogenetic location: 1p36.31.
Variant type: single nucleotide variant.
Coding change: c.997C>T on transcript NM_020631.6 (MANE Select); coding-DNA position 997, C replaced by T.
Protein change: p.Arg333Trp; replaces arginine 333 with tryptophan.
Molecular consequence: missense variant.
Genome position (GRCh38, 1-based): chr1:6,472,610, G>A on the plus strand (C>T on the coding strand, the complement: PLEKHG5 is on the minus strand). VCF-style: chr1-6472610-G-A. GRCh37 (hg19) VCF-style: chr1-6532670-G-A.
Other names: c.1108C>T, p.Arg370Trp (NM_001042663.3, NM_001265592.2); c.997C>T, p.Arg333Trp (NM_001042664.2, NM_001042665.2, NM_001265594.3 and 1 more transcripts); c.1204C>T, p.Arg402Trp (NM_001265593.2); short protein forms R333W, R402W, R370W.
Identifiers: ClinVar variation 373421 (VCV000373421.39), dbSNP rs148232621, ClinGen allele CA561676.